The following continues an entry in ClinVar:

NM_007294.4(BRCA1):c.4357+1G>A

Gene: BRCA1. ClinVar aggregate classification (germline): Pathogenic. Pathogenic (1).

Submissions 9 to 18 of 25:

Illumina Laboratory Services, Illumina
Classification: Pathogenic for Breast-ovarian cancer, familial, susceptibility to, 1. Last evaluated: 2023-07-11. Review status: criteria provided, single submitter. Criteria: ICSLVariantClassificationCriteria RUGD 01 April 2020. Collection method: clinical testing. Allele origin: unknown. Not counted in ClinVar's aggregate classification.
Comment: The BRCA1 c.4357+1G>A variant results in a substitution at the consensus splice donor site. A functional study conducted in patient cells demonstrated that this variant results in abnormal splicing which is predicted to result in a frameshift and premature termination of translation, leading to nonsense mediated mRNA decay (PMID: 21769658). Across a selection of the available literature, this variant has been identified in more than ten individuals with breast or ovarian cancer, including 5% of African American patients in a multi-center cohort (PMID: 21769658; PMID: 27425403; PMID: 29446198; PMID: 30322717; PMID: 31825140). This variant has also been detected in an individual with prostate cancer (PMID: 29368341). This variant is reported in the Genome Aggregation Database in one allele at a frequency of 0.000046 in the European (Finnish) population This variant has been classified as pathogenic by at least three submitters in ClinVar. Based on the available evidence, the c.4357+1G>A variant has been classified as pathogenic for hereditary breast and ovarian cancer.

GeneDx
Classification: Pathogenic. Last evaluated: 2022-06-20. Review status: criteria provided, single submitter. Criteria: GeneDx Variant Classification Process June 2021. Collection method: clinical testing. Allele origin: germline. Affected: yes. Not counted in ClinVar's aggregate classification.
Comment: Canonical splice site variant demonstrated to result skipping of exon 12 which is predicted to result in a null allele in a gene for which loss-of-function is a known mechanism of disease (Thomassen 2012, Steffensen 2014); Observed in individuals with BRCA1-related cancers (Pal 2004, Thomassen 2012, Couch 2015, Pal 2015, Alemar 2016, Frey 2017, Delgado-Balderas 2018, Isaacsson Velho 2018); Multifactorial studies suggest this variant is associated with breast and ovarian cancer (Easton 2007, Lindor 2012); Classified as pathogenic by a well-established clinical consortium and/or database (ClinVar); Also known as 4476+1G>A (IVS13+1G>A); This variant is associated with the following publications: (PMID: 17924331, 30787465, 21735045, 15533909, 26287763, 24013928, 24797986, 20838878, 19241424, 25920394, 27425403, 25085752, 25525159, 28495237, 28476184, 25452441, 20104584, 26295337, 29368341, 28918466, 29997359, 26681312, 29907814, 30702160, 29446198, 30720243, 30322717, 21769658, 24667779, 33646313, 31447099, 31825140, 21990134)

ARUP Laboratories, Molecular Genetics and Genomics, ARUP Laboratories
Classification: Pathogenic. Last evaluated: 2021-10-11. Review status: criteria provided, single submitter. Criteria: ARUP Molecular Germline Variant Investigation Process 2021. Collection method: clinical testing. Allele origin: germline. Not counted in ClinVar's aggregate classification.
Comment: The BRCA1 c.4357+1G>A variant (rs80358027), also known as IVS13+1G>A, is reported in the literature in multiple individuals affected with breast and/or ovarian cancer (Alemar 2016, Carter 2018, Pal 2004, Thomassen 2012). This variant is found on a single chromosome in the Genome Aggregation Database (1/251154 alleles), indicating it is not a common polymorphism. This variant abolishes the canonical splice acceptor site of intron 13, which is likely to disrupt gene function. Consistent with this, RNA analyses from a patient carrying this variant demonstrate skipping of exon 13, leading to a frameshift (Thomassen 2012). Based on available information, this variant is considered to be pathogenic. References: Alemar B et al. Prevalence of Hispanic BRCA1 and BRCA2 mutations among hereditary breast and ovarian cancer patients from Brazil reveals differences among Latin American populations. Cancer Genet. 2016 Sep;209(9):417-422. PMID: 27425403. Carter NJ et al. Germline pathogenic variants identified in women with ovarian tumors. Gynecol Oncol. 2018 Dec;151(3):481-488. PMID: 30322717. Pal T et al. BRCA1 and BRCA2 mutations in a study of African American breast cancer patients. Cancer Epidemiol Biomarkers Prev. 2004 Nov;13(11 Pt 1):1794-9. PMID: 15533909. Thomassen M et al. Characterization of BRCA1 and BRCA2 splicing variants: a collaborative report by ENIGMA consortium members. Breast Cancer Res Treat. 2012 Apr;132(3):1009-23. PMID: 21769658.

Sema4
Classification: Pathogenic for Hereditary cancer-predisposing syndrome. Last evaluated: 2021-04-19. Review status: criteria provided, single submitter. Criteria: Sema4 Curation Guidelines. Collection method: curation. Allele origin: germline. Not counted in ClinVar's aggregate classification.
Comment: The BRCA1 c.4357+1G>A variant has been reported in heterozygosity in at least 4 individuals with breast and ovarian cancer (PMID: 15533909, 29907814, 30322717, 27425403). This variant is suggested to be a founder variant in the in African/African Americans population (PMID: 15533909). This variant is predicted to abolish the canonical splice site leading to an abnormal or absent protein. This variant was observed in 1/21620 chromosomes in the European (Finnish) population, according to the Genome Aggregation Database (PMID: 32461654). This variant has been reported in ClinVar (Variation ID: 37584). Quantitative modelling utilizing multifactorial analyses suggest that the variant carries has an odds in favor of causality 4.82x10 ^6 of developing cancer (PMID 21990134, 17924331). Based on the current evidence available, this variant is interpreted as pathogenic.

Institute of Human Genetics, University of Leipzig Medical Center
Classification: Pathogenic for Breast-ovarian cancer, familial, susceptibility to, 1. Last evaluated: 2020-10-05. Review status: criteria provided, single submitter. Criteria: ACMG Guidelines, 2015. Collection method: clinical testing. Allele origin: unknown. Affected: yes. Not counted in ClinVar's aggregate classification.

Laboratory for Molecular Medicine, Mass General Brigham Personalized Medicine
Classification: Pathogenic for Hereditary breast ovarian cancer syndrome. Last evaluated: 2020-08-10. Review status: criteria provided, single submitter. Criteria: ACMG Guidelines, 2015. Collection method: clinical testing. Allele origin: germline. Not counted in ClinVar's aggregate classification.
Comment: The c.4357+1G>A variant (also known IVS13+1G>A) in BRCA1 has been reported in >30 individuals with breast, ovarian or other associated cancers and segregated with disease in 3 affected individuals from 1 family (Pal 2004 PMID: 15533909, Couch 2015 PMID:25452441, Susswein 2016 PMID: 26681312, Tihomirova 2014 PMID: 24797986, Thomassen 2012 PMID: 21769658, Isaacsson 2018 PMID: 29368341, Alemar 2016 PMID: 27425403, Carter 2018 PMID: 30322717, Akbari 2014 PMID:23458327). It has also been identified in 0.005% (1/21620) of Finnish chromosomes by gnomAD. This variant was classified as Pathogenic on August 10, 2015 by the ClinGen-approved Evidence-based Network for the Interpretation of Germline Mutant Alleles (ENIGMA) expert panel (Variation ID 37584). This variant occurs within the canonical splice site (+/- 1,2) and is predicted to cause altered splicing leading to an abnormal or absent protein. Loss of function of the BRCA1 gene is an established disease mechanism in autosomal autosomal dominant HBOC. Multifactorial likelihood algorithm using genetic, in silico, and statistical data determined to have a high probability of being pathogenic (Easton 2007 PMID: 17924331, Lindor 2012 PMID: 21990134, Pruss 2014 PMID: 25085752). Experimental studies have shown that this variant causes exon 12 skipping in BRCA1 (Steffensen 2014 PMID: 24667779, Thomassen 2012 PMID: 21769658). In summary, this variant meets criteria to be classified as pathogenic for autosomal dominant HBOC. ACMG/AMP Criteria applied: PS4, PVS1_Strong, PM2, PM5, PS3_Supporting.

Revvity Omics, Revvity
Classification: Pathogenic. Last evaluated: 2019-09-06. Review status: criteria provided, single submitter. Criteria: ACMG Guidelines, 2015. Collection method: clinical testing. Allele origin: germline. Not counted in ClinVar's aggregate classification.

Human Genome Sequencing Center Clinical Lab, Baylor College of Medicine
Classification: Pathogenic for Breast-ovarian cancer, familial, susceptibility to, 1. Last evaluated: 2017-07-31. Review status: criteria provided, single submitter. Criteria: ACMG Guidelines, 2015. Collection method: clinical testing. Allele origin: germline. Not counted in ClinVar's aggregate classification.
Comment: This c. 4357+1G>A (also known as IVS13+1G>A) variant in the BRCA1 gene has been reported in multiple patients with breast cancer from two families breast cancer patients (PMID15533909, PMID21769658). In silico analysis and experimental studies suggest that this variant causes exon 13 skipping (PMID24667779,21735045, 21769658). A multifactorial likelihood algorithm also predicts this variant to be deleterious (PMID 17924331). Based on the current evidence, this c. 4357+1G>A variant in the BRCA1 gene is classified as pathogenic.

Women's Health and Genetics/Laboratory Corporation of America, LabCorp
Classification: Pathogenic for Hereditary breast ovarian cancer syndrome. Last evaluated: 2017-04-27. Review status: criteria provided, single submitter. Criteria: LabCorp Variant Classification Summary - May 2015. Collection method: clinical testing. Allele origin: germline. Not counted in ClinVar's aggregate classification.
Comment: Variant summary: The BRCA1 c.4357+1G>A variant involves the alteration of a conserved intronic nucleotide located at the canonical splicing site. One in silico tool predicts a damaging outcome for this variant. 5/5 splice prediction tools predict that this variant abolishes the 5' splicing donor site. These predictions have been confirmed by RT-PCR showing that it leads to skipping of exon 12 (legacy exon 13) and frameshift p.Arg1397TyrfsX2 (Thomassen_2011). This variant was found in 1/121252 control chromosomes at a frequency of 0.0000082, which does not exceed the estimated maximal expected allele frequency of a pathogenic BRCA1 variant (0.0010005). It has also been reported in multiple HBOC patients. In addition, multiple clinical diagnostic laboratories/reputable databases classified this variant as pathogenic. Taken together, this variant is classified as pathogenic.

Molecular Genetics Laboratory, University of Michigan
Classification: Pathogenic for Breast-ovarian cancer, familial, susceptibility to, 1. Last evaluated: 2016-04-21. Review status: criteria provided, single submitter. Criteria: ACMG Guidelines, 2015. Collection method: clinical testing. Allele origin: germline. Affected: yes. Not counted in ClinVar's aggregate classification.